The following is an entry in ClinVar:

NM_001029.5(RPS26):c.78T>G (p.Cys26Trp)

Gene: RPS26 (ribosomal protein S26; plus strand). Cytogenetic location: 12q13.2.
Variant type: single nucleotide variant.
Coding change: c.78T>G on transcript NM_001029.5 (MANE Select); coding-DNA position 78, T replaced by G.
Protein change: p.Cys26Trp; replaces cysteine 26 with tryptophan.
Molecular consequence: missense variant.
Genome position (GRCh38, 1-based): chr12:56,042,499, T>G. VCF-style: chr12-56042499-T-G. GRCh37 (hg19) VCF-style: chr12-56436283-T-G.
Other names: short protein forms C26W.
Identifiers: ClinVar variation 4076390 (VCV004076390.1).

ClinVar aggregate classification (germline): Uncertain significance (1 of 4 stars; one submission).

Conditions:
Diamond-Blackfan anemia 10 (DBA10). Also called: RPS26-Related Diamond-Blackfan Anemia. Identifiers: Orphanet 124, MedGen C2750080, MONDO:0013217, OMIM 613309.

Submission:

Laboratorio de Genetica e Diagnostico Molecular, Hospital Israelita Albert Einstein
Classification: Uncertain significance for Diamond-Blackfan anemia 10. Last evaluated: 2025-03-31. Review status: criteria provided, single submitter. Criteria: ACMG Guidelines, 2015. Collection method: clinical testing. Allele origin: germline. Affected: yes.
Comment: ACMG classification criteria: PM2 supporting, PP3 supporting